The following is an entry in ClinVar:

ClinVar aggregate classification (germline): Uncertain significance (1 of 4 stars; one submission).

Conditions:
Kabuki syndrome 1 (KABUK1). Also called: KMT2D-Related Kabuki Syndrome. Identifiers: Orphanet 2322, MedGen CN030661, MONDO:0007843, OMIM 147920.

Submission:

OLLIN Analises Genomicas, OLLIN
Classification: Uncertain significance for Kabuki syndrome 1. Last evaluated: 2026-02-13. Review status: criteria provided, single submitter. Criteria: ACMG Guidelines 2015 PMID 25741868. Collection method: clinical testing. Allele origin: germline. Observed: 1 variant allele.
Comment: PM2_P, PP2

NM_003482.4(KMT2D):c.6014G>A (p.Arg2005His)

Gene: KMT2D (lysine methyltransferase 2D; minus strand). Cytogenetic location: 12q13.12.
Variant type: single nucleotide variant.
Coding change: c.6014G>A on transcript NM_003482.4 (MANE Select); coding-DNA position 6014, G replaced by A.
Protein change: p.Arg2005His; replaces arginine 2005 with histidine.
Molecular consequence: missense variant.
Genome position (GRCh38, 1-based): chr12:49,042,184, C>T on the plus strand (G>A on the coding strand, the complement: KMT2D is on the minus strand). VCF-style: chr12-49042184-C-T. GRCh37 (hg19) VCF-style: chr12-49435967-C-T.
Other names: short protein forms R2005H.
Identifiers: ClinVar variation 4814086 (VCV004814086.1).
Genomic context (GRCh38, chr12:49,042,184, plus strand): 5'-TTGGCATAGAGCACAGGTGAGATGGTGGACAGCTGGCCCAACTCCTCATCCTTCTCCCAG[C>T]GCTGAAGACTCCGCTGGTTATAGGAGAGTCCGTCGCCCTCACCCTCCGTGGTGGGGGTTG-3'
Protein context (NP_003473.3, residues 1995-2015): GLSYNQRSLQ[Arg2005His]WEKDEELGQL